The following is an entry in ClinVar:

NM_173086.5(KRT6C):c.660C>A (p.Asn220Lys)

Gene: KRT6C (keratin 6C; minus strand). Cytogenetic location: 12q13.13.
Variant type: single nucleotide variant.
Coding change: c.660C>A on transcript NM_173086.5 (MANE Select); coding-DNA position 660, C replaced by A.
Protein change: p.Asn220Lys; replaces asparagine 220 with lysine.
Molecular consequence: missense variant.
Genome position (GRCh38, 1-based): chr12:52,472,161, G>T on the plus strand (C>A on the coding strand, the complement: KRT6C is on the minus strand). VCF-style: chr12-52472161-G-T. GRCh37 (hg19) VCF-style: chr12-52865945-G-T.
Other names: short protein forms N220K.
Identifiers: ClinVar variation 3025939 (VCV003025939.22), dbSNP rs561088025, ClinGen allele CA6581495.

ClinVar aggregate classification (germline): Benign (1 of 4 stars; one submission).

Allele frequency attached by ClinVar (database versions not stated): gnomAD 0.00005; gnomAD exomes 0.00011; 1000 Genomes Project 30x 0.00016; ExAC 0.00028; 1000 Genomes Project 0.00040.
gnomAD v4.1: 160 of 1,509,692 alleles (0.011%); highest among the groups gnomAD compares: South Asian, 0.17%; 11 homozygotes.

Submission:

CeGaT Center for Human Genetics Tuebingen
Classification: Benign. Last evaluated: 2023-12-01. Review status: criteria provided, single submitter. Criteria: CeGaT Center For Human Genetics Tuebingen Variant Classification Criteria Version 2. Collection method: clinical testing. Allele origin: germline. Affected: yes. Observed: 1 variant allele.
Comment: KRT6C: BS1, BS2